The following is an entry in ClinVar:

ClinVar aggregate classification (germline): Likely benign (1 of 4 stars; one submission).

Submission:

CeGaT Center for Human Genetics Tuebingen
Classification: Likely benign. Last evaluated: 2022-07-01. Review status: criteria provided, single submitter. Criteria: CeGaT Center For Human Genetics Tuebingen Variant Classification Criteria Version 2. Collection method: clinical testing. Allele origin: germline. Affected: yes. Observed: 1 variant allele.
Comment: ADAMTSL4: PM2:Supporting, BP4, BP7

NM_019032.6(ADAMTSL4):c.1683C>G (p.Pro561=)

Genes: ADAMTSL4 (ADAMTS like 4; plus strand), ADAMTSL4-AS2 (ADAMTSL4 antisense RNA 2; minus strand). Cytogenetic location: 1q21.2.
Variant type: single nucleotide variant.
Coding change: c.1683C>G on transcript NM_019032.6 (MANE Select); coding-DNA position 1683, C replaced by G.
Protein change: p.Pro561=; no amino-acid change (proline 561 retained).
Molecular consequence: synonymous variant.
Genome position (GRCh38, 1-based): chr1:150,556,727, C>G. VCF-style: chr1-150556727-C-G. GRCh37 (hg19) VCF-style: chr1-150529203-C-G.
Other names: c.1752C>G, p.Pro584= (NM_001288608.2, NM_001288607.2); c.1683C>G, p.Pro561= (NM_001378596.1, NM_025008.5).
Identifiers: ClinVar variation 2639163 (VCV002639163.24), dbSNP rs761623610, ClinGen allele CA420898126.
Genomic context (GRCh38, chr1:150,556,727, plus strand): 5'-TGTGGATCCCCCTGGGTCCTACAGGGCCGGCGGGACCGTCTTTCGATATAACCGTCCTCC[C>G]AGGGAGGAGGGCAAAGGGGAGAGTCTGTCGGCTGAAGGCCCCACCACCCAGCCTGTGGAT-3'
Protein context (NP_061905.2, residues 551-571): GGTVFRYNRP[Pro561=]REEGKGESLS